The following is an entry in ClinVar:

ClinVar aggregate classification (germline): Likely benign. Review status: criteria provided, single submitter (1 of 4 stars). 2 submissions from 2 submitters: Likely benign (1). 1 of the submissions does not count toward it. Last evaluated 2024-02-29.

Conditions:
COL4A4-related disorder.

Allele frequency attached by ClinVar (database versions not stated): gnomAD 0.00001.
gnomAD v4.1: 8 of 1,613,918 alleles (0.0005%); highest among the groups gnomAD compares: Middle Eastern, 0.016%; no homozygotes.

Submissions (2):

Labcorp Genetics (formerly Invitae), Labcorp
Classification: Likely benign. Last evaluated: 2024-02-29. Review status: criteria provided, single submitter. Criteria: Invitae Variant Classification Sherloc (09022015). Collection method: clinical testing. Allele origin: germline.

PreventionGenetics, part of Exact Sciences
Classification: Likely benign for COL4A4-related condition. Last evaluated: 2019-08-20. Review status: no assertion criteria provided. Collection method: clinical testing. Allele origin: germline. Not counted in ClinVar's aggregate classification.
Comment: This variant is classified as likely benign based on ACMG/AMP sequence variant interpretation guidelines (Richards et al. 2015 PMID: 25741868, with internal and published modifications).

NM_000092.5(COL4A4):c.4263C>T (p.Gly1421=)

Gene: COL4A4 (collagen type IV alpha 4 chain; minus strand). Cytogenetic location: 2q36.3.
Variant type: single nucleotide variant.
Coding change: c.4263C>T on transcript NM_000092.5 (MANE Select); coding-DNA position 4263, C replaced by T.
Protein change: p.Gly1421=; no amino-acid change (glycine 1421 retained).
Molecular consequence: synonymous variant.
Genome position (GRCh38, 1-based): chr2:227,012,251, G>A on the plus strand (C>T on the coding strand, the complement: COL4A4 is on the minus strand). VCF-style: chr2-227012251-G-A. GRCh37 (hg19) VCF-style: chr2-227876967-G-A.
Other names: c.4263C>T (NM_000092.4).
Identifiers: ClinVar variation 1131138 (VCV001131138.11), dbSNP rs750090423, ClinGen allele CA431493259.